The following is an entry in ClinVar:

NM_014141.6(CNTNAP2):c.3206C>A (p.Ser1069Tyr)

Gene: CNTNAP2 (contactin associated protein 2; plus strand). Cytogenetic location: 7q36.1.
Variant type: single nucleotide variant.
Coding change: c.3206C>A on transcript NM_014141.6 (MANE Select); coding-DNA position 3206, C replaced by A.
Protein change: p.Ser1069Tyr; replaces serine 1069 with tyrosine.
Molecular consequence: missense variant.
Genome position (GRCh38, 1-based): chr7:148,217,483, C>A. VCF-style: chr7-148217483-C-A. GRCh37 (hg19) VCF-style: chr7-147914575-C-A.
Other names: short protein forms S1069Y.
Identifiers: ClinVar variation 939616 (VCV000939616.10), dbSNP rs1795665049, ClinGen allele CA369929465.

ClinVar aggregate classification (germline): Uncertain significance (1 of 4 stars; one submission).

Conditions:
Cortical dysplasia-focal epilepsy syndrome (PTHSL1). Also called: Pitt-Hopkins-like syndrome 1. Identifiers: Orphanet 163681, Orphanet 221150, MedGen C2750246, MONDO:0012400, OMIM 610042.

Submission:

Labcorp Genetics (formerly Invitae), Labcorp
Classification: Uncertain significance for Cortical dysplasia-focal epilepsy syndrome. Last evaluated: 2019-06-24. Review status: criteria provided, single submitter. Criteria: Invitae Variant Classification Sherloc (09022015). Collection method: clinical testing. Allele origin: germline.
Comment: This variant is not present in population databases (ExAC no frequency). In summary, the available evidence is currently insufficient to determine the role of this variant in disease. Therefore, it has been classified as a Variant of Uncertain Significance. Algorithms developed to predict the effect of missense changes on protein structure and function (SIFT, PolyPhen-2, Align-GVGD) all suggest that this variant is likely to be disruptive, but these predictions have not been confirmed by published functional studies and their clinical significance is uncertain. This variant has not been reported in the literature in individuals with CNTNAP2-related conditions. This sequence change replaces serine with tyrosine at codon 1069 of the CNTNAP2 protein (p.Ser1069Tyr). The serine residue is highly conserved and there is a large physicochemical difference between serine and tyrosine.